The following is an entry in ClinVar:

ClinVar aggregate classification (germline): Uncertain significance (1 of 4 stars; one submission).

Submission:

Labcorp Genetics (formerly Invitae), Labcorp
Classification: Uncertain significance. Last evaluated: 2024-12-02. Review status: criteria provided, single submitter. Criteria: Invitae Variant Classification Sherloc (09022015). Collection method: clinical testing. Allele origin: germline.
Comment: This sequence change falls in intron 52 of the COL11A1 gene. It does not directly change the encoded amino acid sequence of the COL11A1 protein. It affects a nucleotide within the consensus splice site. This variant is not present in population databases (gnomAD no frequency). This variant has not been reported in the literature in individuals affected with COL11A1-related conditions. ClinVar contains an entry for this variant (Variation ID: 2978430). Variants that disrupt the consensus splice site are a relatively common cause of aberrant splicing (PMID: 17576681, 9536098). Algorithms developed to predict the effect of sequence changes on RNA splicing suggest that this variant may disrupt the consensus splice site. In summary, the available evidence is currently insufficient to determine the role of this variant in disease. Therefore, it has been classified as a Variant of Uncertain Significance.

Literature cited by the submitters: PubMed 17576681; PubMed 9536098.

NM_001854.4(COL11A1):c.3978+6T>C

Gene: COL11A1 (collagen type XI alpha 1 chain; minus strand). Cytogenetic location: 1p21.1.
Variant type: single nucleotide variant.
Coding change: c.3978+6T>C on transcript NM_001854.4 (MANE Select); 6 bases into the intron after coding-DNA position 3978, T replaced by C.
Molecular consequence: intron variant.
Genome position (GRCh38, 1-based): chr1:102,914,346, A>G on the plus strand (T>C on the coding strand, the complement: COL11A1 is on the minus strand). VCF-style: chr1-102914346-A-G. GRCh37 (hg19) VCF-style: chr1-103379902-A-G.
Other names: c.3861+6T>C (NM_001190709.2); c.4014+6T>C (NM_080629.3); c.3630+6T>C (NM_080630.4).
Identifiers: ClinVar variation 2978430 (VCV002978430.3), dbSNP rs2524478901, ClinGen allele CA2740090237.